The following is an entry in ClinVar:

ClinVar aggregate classification (germline): Uncertain significance. Review status: criteria provided, multiple submitters, no conflicts (2 of 4 stars). 6 submissions from 6 submitters: Uncertain significance (5). 1 of the submissions does not count toward it. Last evaluated 2025-05-22.

Conditions:
USH2A-related disorder. Also called: USH2A-related disorders; USH2A-related condition. Identifiers: MedGen CN239332.
Retinitis pigmentosa 39 (RP39). Identifiers: Orphanet 791, MedGen C3151138, MONDO:0013436, OMIM 613809.
Usher syndrome type 2A. Also called: RETINAL DISEASE IN USHER SYNDROME TYPE IIA, MODIFIER OF; USHER SYNDROME, TYPE IIA. Identifiers: Orphanet 231178, Orphanet 886, MedGen C1848634, MONDO:0010169, OMIM 276901.

Allele frequency attached by ClinVar (database versions not stated): TOPMed 0.00005; gnomAD 0.00006; ExAC 0.00008; gnomAD exomes 0.00008 and 0.00009.
gnomAD v4.1: 143 of 1,613,738 alleles (0.0089%); highest among the groups gnomAD compares: Non-Finnish European, 0.011%; no homozygotes.

Submissions (6):

PreventionGenetics, part of Exact Sciences
Classification: Uncertain significance for USH2A-related condition. Last evaluated: 2025-05-22. Review status: criteria provided, single submitter. Criteria: ACMG Guidelines, 2015. Collection method: clinical testing. Allele origin: germline.
Comment: The USH2A c.10451G>A variant is predicted to result in the amino acid substitution p.Arg3484Gln. This variant has been reported with uncertain significance in an individual with Usher syndrome (Galli-Resta et al. 2018. PubMed ID: 30073356). This variant is present in 0.013% of alleles in individuals of European (Non-Finnish) descent in gnomAD. At this time, the clinical significance of this variant is uncertain due to the absence of conclusive functional and genetic evidence.

Blueprint Genetics
Classification: Uncertain significance. Last evaluated: 2024-07-04. Review status: criteria provided, single submitter. Criteria: ACMG Guidelines, 2015. Collection method: clinical testing. Allele origin: germline.

Women's Health and Genetics/Laboratory Corporation of America, LabCorp
Classification: Uncertain significance. Last evaluated: 2023-11-01. Review status: criteria provided, single submitter. Criteria: LabCorp Variant Classification Summary - May 2015. Collection method: clinical testing. Allele origin: germline.
Comment: Variant summary: USH2A c.10451G>A (p.Arg3484Gln) results in a conservative amino acid change located in the fibronectin type III domain (IPR003961) of the encoded protein sequence. Four of five in-silico tools predict a benign effect of the variant on protein function. The variant allele was found at a frequency of 8.4e-05 in 250938 control chromosomes (gnomAD). This frequency is not significantly higher than estimated for a pathogenic variant in USH2A causing Usher Syndrome (8.4e-05 vs 0.011), allowing no conclusion about variant significance. c.10451G>A has been reported in the literature in an individual affected with Usher Syndrome (e.g. Galli-Resta_2018). This report does not provide unequivocal conclusions about association of the variant with Usher Syndrome. To our knowledge, no experimental evidence demonstrating an impact on protein function has been reported. The following publications have been ascertained in the context of this evaluation (PMID: 29343940, 30073356). Two submitters have cited clinical-significance assessments for this variant to ClinVar after 2014. All submitters classified the variant as uncertain significance. Based on the evidence outlined above, the variant was classified as uncertain significance.

Department of Pathology and Laboratory Medicine, Sinai Health System
Classification: Uncertain significance for Usher syndrome type 2A; Retinitis pigmentosa 39. Last evaluated: 2022-11-22. Review status: criteria provided, single submitter. Criteria: ACMG Guidelines, 2015. Collection method: research. Allele origin: germline.

Labcorp Genetics (formerly Invitae), Labcorp
Classification: Uncertain significance. Last evaluated: 2022-09-27. Review status: criteria provided, single submitter. Criteria: Invitae Variant Classification Sherloc (09022015). Collection method: clinical testing. Allele origin: germline.
Comment: This sequence change replaces arginine, which is basic and polar, with glutamine, which is neutral and polar, at codon 3484 of the USH2A protein (p.Arg3484Gln). This variant is present in population databases (rs771999994, gnomAD 0.01%). This missense change has been observed in individual(s) with Usher syndrome (PMID: 30073356). ClinVar contains an entry for this variant (Variation ID: 965326). Advanced modeling of protein sequence and biophysical properties (such as structural, functional, and spatial information, amino acid conservation, physicochemical variation, residue mobility, and thermodynamic stability) performed at Invitae indicates that this missense variant is not expected to disrupt USH2A protein function. In summary, the available evidence is currently insufficient to determine the role of this variant in disease. Therefore, it has been classified as a Variant of Uncertain Significance.

Natera, Inc.
Classification: Uncertain significance for Usher syndrome type 2A. Last evaluated: 2020-01-28. Review status: no assertion criteria provided. Collection method: clinical testing. Allele origin: germline. Not counted in ClinVar's aggregate classification.

Literature cited by the submitters: PubMed 30073356 (cited by Women's Health and Genetics/Laboratory Corporation of America, LabCorp and Labcorp Genetics (formerly Invitae), Labcorp); PubMed 29343940 (cited by Women's Health and Genetics/Laboratory Corporation of America, LabCorp).

NM_206933.4(USH2A):c.10451G>A (p.Arg3484Gln)

Gene: USH2A (usherin; minus strand). Cytogenetic location: 1q41.
Variant type: single nucleotide variant.
Coding change: c.10451G>A on transcript NM_206933.4 (MANE Select); coding-DNA position 10451, G replaced by A.
Protein change: p.Arg3484Gln; replaces arginine 3484 with glutamine.
Molecular consequence: missense variant.
Genome position (GRCh38, 1-based): chr1:215,782,872, C>T on the plus strand (G>A on the coding strand, the complement: USH2A is on the minus strand). VCF-style: chr1-215782872-C-T. GRCh37 (hg19) VCF-style: chr1-215956214-C-T.
Other names: short protein forms R3484Q.
Identifiers: ClinVar variation 965326 (VCV000965326.8), dbSNP rs771999994, ClinGen allele CA1394008.